The following is an entry in ClinVar:

NM_001278064.2(GRM1):c.1603-3T>C

Gene: GRM1 (glutamate metabotropic receptor 1; plus strand). Cytogenetic location: 6q24.3.
Variant type: single nucleotide variant.
Coding change: c.1603-3T>C on transcript NM_001278064.2 (MANE Select); 3 bases into the intron before coding-DNA position 1603, T replaced by C.
Molecular consequence: intron variant.
Genome position (GRCh38, 1-based): chr6:146,386,887, T>C. VCF-style: chr6-146386887-T-C. GRCh37 (hg19) VCF-style: chr6-146708023-T-C.
Other names: c.1603-3T>C (NM_001278065.2, NM_001278066.1, NM_001278067.1).
Identifiers: ClinVar variation 2737685 (VCV002737685.3), dbSNP rs534180335, ClinGen allele CA4037331.

ClinVar aggregate classification (germline): Uncertain significance (1 of 4 stars; one submission).

Allele frequency attached by ClinVar (database versions not stated): gnomAD 0.00002; ExAC 0.00012; 1000 Genomes Project 30x 0.00016; 1000 Genomes Project 0.00020; TOPMed 0.00002; gnomAD exomes 0.00006.
gnomAD v4.1: 88 of 1,604,708 alleles (0.0055%); highest among the groups gnomAD compares: South Asian, 0.045%; 1 homozygote.

Submission:

Labcorp Genetics (formerly Invitae), Labcorp
Classification: Uncertain significance. Last evaluated: 2024-01-10. Review status: criteria provided, single submitter. Criteria: Invitae Variant Classification Sherloc (09022015). Collection method: clinical testing. Allele origin: germline.
Comment: This sequence change falls in intron 5 of the GRM1 gene. It does not directly change the encoded amino acid sequence of the GRM1 protein. It affects a nucleotide within the consensus splice site. This variant is present in population databases (rs534180335, gnomAD 0.06%), including at least one homozygous and/or hemizygous individual. This variant has not been reported in the literature in individuals affected with GRM1-related conditions. Variants that disrupt the consensus splice site are a relatively common cause of aberrant splicing (PMID: 17576681, 9536098). Algorithms developed to predict the effect of sequence changes on RNA splicing suggest that this variant is not likely to affect RNA splicing. In summary, the available evidence is currently insufficient to determine the role of this variant in disease. Therefore, it has been classified as a Variant of Uncertain Significance.

Literature cited by the submitters: PubMed 17576681; PubMed 9536098.